The following is an entry in ClinVar:

NM_000245.4(MET):c.1403C>G (p.Ser468Cys)

Gene: MET (MET proto-oncogene, receptor tyrosine kinase; plus strand). Cytogenetic location: 7q31.2.
Variant type: single nucleotide variant.
Coding change: c.1403C>G on transcript NM_000245.4 (MANE Select); coding-DNA position 1403, C replaced by G.
Protein change: p.Ser468Cys; replaces serine 468 with cysteine.
Molecular consequence: missense variant.
Genome position (GRCh38, 1-based): chr7:116,739,960, C>G. VCF-style: chr7-116739960-C-G. GRCh37 (hg19) VCF-style: chr7-116380014-C-G.
Other names: c.1403C>G, p.Ser468Cys (NM_001127500.3, NM_001324401.3); c.113C>G, p.Ser38Cys (NM_001324402.2); short protein forms S468C, S38C.
Identifiers: ClinVar variation 1349137 (VCV001349137.8), dbSNP rs1793378040, ClinGen allele CA368974025.

ClinVar aggregate classification (germline): Uncertain significance (1 of 4 stars; one submission).

Conditions:
Renal cell carcinoma. Identifiers: Orphanet 217071, MedGen C0007134, MeSH D002292, MONDO:0005086, HP:0005584.

Submission:

Labcorp Genetics (formerly Invitae), Labcorp
Classification: Uncertain significance for Renal cell carcinoma. Last evaluated: 2022-01-28. Review status: criteria provided, single submitter. Criteria: Invitae Variant Classification Sherloc (09022015). Collection method: clinical testing. Allele origin: germline.
Comment: Algorithms developed to predict the effect of missense changes on protein structure and function are either unavailable or do not agree on the potential impact of this missense change (SIFT: "Deleterious"; PolyPhen-2: "Possibly Damaging"; Align-GVGD: "Class C0"). In summary, the available evidence is currently insufficient to determine the role of this variant in disease. Therefore, it has been classified as a Variant of Uncertain Significance. This sequence change replaces serine, which is neutral and polar, with cysteine, which is neutral and slightly polar, at codon 468 of the MET protein (p.Ser468Cys). This variant is not present in population databases (gnomAD no frequency). This variant has not been reported in the literature in individuals affected with MET-related conditions.